The following is an entry in ClinVar:

ClinVar aggregate classification (germline): Uncertain significance. Review status: criteria provided, multiple submitters, no conflicts (2 of 4 stars). 2 submissions from 2 submitters: Uncertain significance (2). Last evaluated 2025-09-04.

Conditions:
Cardiovascular phenotype. Identifiers: MedGen CN230736.
Sitosterolemia (STSL). Also called: PHYTOSTEROLEMIA. Identifiers: Orphanet 2882, MedGen C0342907, MONDO:0008863.

Allele frequency attached by ClinVar (database versions not stated): gnomAD exomes 0.00001 and 0.00003; ExAC 0.00004; gnomAD 0.00012 and 0.00014; TOPMed 0.00013; ESP Exome Variant Server 0.00015.

Submissions (2):

Ambry Genetics
Classification: Uncertain significance for Cardiovascular phenotype. Last evaluated: 2025-09-04. Review status: criteria provided, single submitter. Criteria: Ambry Variant Classification Scheme 2023. Collection method: clinical testing. Allele origin: germline.

Labcorp Genetics (formerly Invitae), Labcorp
Classification: Uncertain significance for Sitosterolemia. Last evaluated: 2022-07-05. Review status: criteria provided, single submitter. Criteria: Invitae Variant Classification Sherloc (09022015). Collection method: clinical testing. Allele origin: germline.
Comment: In summary, the available evidence is currently insufficient to determine the role of this variant in disease. Therefore, it has been classified as a Variant of Uncertain Significance. Algorithms developed to predict the effect of missense changes on protein structure and function output the following: SIFT: "Deleterious"; PolyPhen-2: "Benign"; Align-GVGD: "Class C0". The methionine amino acid residue is found in multiple mammalian species, which suggests that this missense change does not adversely affect protein function. ClinVar contains an entry for this variant (Variation ID: 857096). This variant has not been reported in the literature in individuals affected with ABCG5-related conditions. This variant is present in population databases (rs368811625, gnomAD 0.03%). This sequence change replaces valine, which is neutral and non-polar, with methionine, which is neutral and non-polar, at codon 76 of the ABCG5 protein (p.Val76Met).

NM_022436.3(ABCG5):c.226G>A (p.Val76Met)

Gene: ABCG5 (ATP binding cassette subfamily G member 5; minus strand). Cytogenetic location: 2p21.
Variant type: single nucleotide variant.
Coding change: c.226G>A on transcript NM_022436.3 (MANE Select); coding-DNA position 226, G replaced by A.
Protein change: p.Val76Met; replaces valine 76 with methionine.
Molecular consequence: missense variant.
Genome position (GRCh38, 1-based): chr2:43,837,873, C>T on the plus strand (G>A on the coding strand, the complement: ABCG5 is on the minus strand). VCF-style: chr2-43837873-C-T. GRCh37 (hg19) VCF-style: chr2-44065012-C-T.
Other names: short protein forms V76M.
Identifiers: ClinVar variation 857096 (VCV000857096.10), dbSNP rs368811625, ClinGen allele CA1636742.
Genomic context (GRCh38, chr2:43,837,873, plus strand): 5'-AATCCTCCTTCCCAAGCTTACCTGAGCTTCCTAGGATGCACATGATCTGCCCGCTCTCCA[C>T]GTACAAGGAGACATCTTTGAGGATCTGCCTGGTCCACTGCTGCCGGCAAGATGTGATGTC-3'
Protein context (NP_071881.1, residues 66-86): RQILKDVSLY[Val76Met]ESGQIMCILG